The following is an entry in ClinVar:

ClinVar aggregate classification (germline): Uncertain significance (1 of 4 stars; one submission).

gnomAD v4.1: 2 of 1,602,828 alleles (0.00012%); highest among the groups gnomAD compares: Non-Finnish European, 0.00017%; no homozygotes.

Submission:

Labcorp Genetics (formerly Invitae), Labcorp
Classification: Uncertain significance. Last evaluated: 2026-01-04. Review status: criteria provided, single submitter. Criteria: Invitae Variant Classification Sherloc (09022015). Collection method: clinical testing. Allele origin: germline.
Comment: This sequence change replaces lysine, which is basic and polar, with glutamine, which is neutral and polar, at codon 1057 of the SUCO protein (p.Lys1057Gln). This variant is present in population databases (no rsID available, gnomAD 0.002%). This variant has not been reported in the literature in individuals affected with SUCO-related conditions. An algorithm developed to predict the effect of missense changes on protein structure and function (PolyPhen-2) suggests that this variant is likely to be disruptive. In summary, the available evidence is currently insufficient to determine the role of this variant in disease. Therefore, it has been classified as a Variant of Uncertain Significance.

NM_014283.5(SUCO):c.3169A>C (p.Lys1057Gln)

Gene: SUCO (SUN domain containing ossification factor; plus strand). Cytogenetic location: 1q24.3.
Variant type: single nucleotide variant.
Coding change: c.3169A>C on transcript NM_014283.5 (MANE Select); coding-DNA position 3169, A replaced by C.
Protein change: p.Lys1057Gln; replaces lysine 1057 with glutamine.
Molecular consequence: missense variant.
Genome position (GRCh38, 1-based): chr1:172,602,214, A>C. VCF-style: chr1-172602214-A-C. GRCh37 (hg19) VCF-style: chr1-172571354-A-C.
Other names: c.2056A>C, p.Lys686Gln (NM_001282750.2); c.1480A>C, p.Lys494Gln (NM_001282751.2); c.3622A>C, p.Lys1208Gln (NM_016227.4); short protein forms K1057Q, K1208Q, K494Q, K686Q.
Identifiers: ClinVar variation 4734713 (VCV004734713.1).